The following is an entry in ClinVar:

NM_001352027.3(PHF21A):c.388A>G (p.Thr130Ala)

Gene: PHF21A (PHD finger protein 21A; minus strand). Cytogenetic location: 11p11.2.
Variant type: single nucleotide variant.
Coding change: c.388A>G on transcript NM_001352027.3 (MANE Select); coding-DNA position 388, A replaced by G.
Protein change: p.Thr130Ala; replaces threonine 130 with alanine.
Molecular consequence: missense variant. On other transcripts: non-coding transcript variant (2), intron variant (1).
Genome position (GRCh38, 1-based): chr11:45,971,340, T>C on the plus strand (A>G on the coding strand, the complement: PHF21A is on the minus strand). VCF-style: chr11-45971340-T-C. GRCh37 (hg19) VCF-style: chr11-45992891-T-C.
Other names: c.388A>G, p.Thr130Ala (NM_001101802.3, NM_001352025.3, NM_001352026.3 and 7 more transcripts); c.385A>G, p.Thr129Ala (NM_001352030.3); c.409A>G, p.Thr137Ala (NM_001441167.1, NM_001441168.1); c.406A>G, p.Thr136Ala (NM_001441169.1); c.361-1436A>G (NM_001441172.1); short protein forms T129A, T136A, T137A, T130A.
Identifiers: ClinVar variation 5008842 (VCV005008842.1).

ClinVar aggregate classification (germline): Uncertain significance (1 of 4 stars; one submission).

gnomAD v4.1: 1 of 1,614,016 alleles (0.000062%); highest among the groups gnomAD compares: African/African-American, 0.0013%; no homozygotes.

Submission:

GeneDx
Classification: Uncertain significance. Last evaluated: 2026-03-11. Review status: criteria provided, single submitter. Criteria: GeneDx Variant Classification Process June 2021. Collection method: clinical testing. Allele origin: germline.
Comment: Not observed at significant frequency in large population cohorts (gnomAD); In silico analysis suggests that this missense variant does not alter protein structure/function; Has not been previously published as pathogenic or benign to our knowledge